The following is an entry in ClinVar:

ClinVar aggregate classification (germline): Uncertain significance. Review status: criteria provided, multiple submitters, no conflicts (2 of 4 stars). 2 submissions from 2 submitters: Uncertain significance (2). Last evaluated 2022-07-12.

Conditions:
Inborn genetic diseases. Identifiers: MedGen C0950123, MeSH D030342.
Cataract 18 (CATC2). Also called: CATARACT 18, AUTOSOMAL RECESSIVE. Identifiers: Orphanet 91492, Orphanet 98991, Orphanet 98992, Orphanet 98995, MedGen C1864908, MONDO:0012395, OMIM 610019.

Allele frequency attached by ClinVar (database versions not stated): ExAC 0.00004; gnomAD 0.00007; TOPMed 0.00008.
gnomAD v4.1: 31 of 1,613,830 alleles (0.0019%); highest among the groups gnomAD compares: African/African-American, 0.017%; no homozygotes.

Submissions (2):

Labcorp Genetics (formerly Invitae), Labcorp
Classification: Uncertain significance for Cataract 18. Last evaluated: 2022-07-12. Review status: criteria provided, single submitter. Criteria: Invitae Variant Classification Sherloc (09022015). Collection method: clinical testing. Allele origin: germline.
Comment: This variant has not been reported in the literature in individuals affected with FYCO1-related conditions. This sequence change replaces threonine, which is neutral and polar, with serine, which is neutral and polar, at codon 512 of the FYCO1 protein (p.Thr512Ser). This variant is present in population databases (rs200425105, gnomAD 0.02%). Algorithms developed to predict the effect of missense changes on protein structure and function output the following: SIFT: "Tolerated"; PolyPhen-2: "Benign"; Align-GVGD: "Class C0". The serine amino acid residue is found in multiple mammalian species, which suggests that this missense change does not adversely affect protein function. In summary, the available evidence is currently insufficient to determine the role of this variant in disease. Therefore, it has been classified as a Variant of Uncertain Significance.

Ambry Genetics
Classification: Uncertain significance for Inborn genetic diseases. Last evaluated: 2021-10-12. Review status: criteria provided, single submitter. Criteria: Ambry Variant Classification Scheme 2023. Collection method: clinical testing. Allele origin: germline.

NM_024513.4(FYCO1):c.1535C>G (p.Thr512Ser)

Gene: FYCO1 (FYVE and coiled-coil domain autophagy adaptor 1; minus strand). Cytogenetic location: 3p21.31.
Variant type: single nucleotide variant.
Coding change: c.1535C>G on transcript NM_024513.4 (MANE Select); coding-DNA position 1535, C replaced by G.
Protein change: p.Thr512Ser; replaces threonine 512 with serine.
Molecular consequence: missense variant. On other transcripts: non-coding transcript variant (1).
Genome position (GRCh38, 1-based): chr3:45,967,799, G>C on the plus strand (C>G on the coding strand, the complement: FYCO1 is on the minus strand). VCF-style: chr3-45967799-G-C. GRCh37 (hg19) VCF-style: chr3-46009291-G-C.
Other names: c.1535C>G, p.Thr512Ser (NM_001386421.1, NM_001386422.1, NM_001386423.1 and 4 more transcripts); c.1415C>G, p.Thr472Ser (NM_001386426.1); c.1391C>G, p.Thr464Ser (NM_001386427.1); c.935C>G, p.Thr312Ser (NM_001386430.1); c.1535C>G (NM_024513.2); short protein forms T512S, T312S, T464S, T472S.
Identifiers: ClinVar variation 2149734 (VCV002149734.5), dbSNP rs200425105, ClinGen allele CA2353236.